The following is an entry in ClinVar:

NM_000053.4(ATP7B):c.459C>T (p.Thr153=)

Gene: ATP7B (ATPase copper transporting beta; minus strand). Cytogenetic location: 13q14.3.
Variant type: single nucleotide variant.
Coding change: c.459C>T on transcript NM_000053.4 (MANE Select); coding-DNA position 459, C replaced by T.
Protein change: p.Thr153=; no amino-acid change (threonine 153 retained).
Molecular consequence: synonymous variant.
Genome position (GRCh38, 1-based): chr13:51,974,761, G>A on the plus strand (C>T on the coding strand, the complement: ATP7B is on the minus strand). VCF-style: chr13-51974761-G-A. GRCh37 (hg19) VCF-style: chr13-52548897-G-A.
Other names: c.459C>T, p.Thr153= (NM_001243182.2, NM_001330578.2, NM_001330579.2 and 1 more transcripts).
Identifiers: ClinVar variation 1160872 (VCV001160872.13), dbSNP rs1009053966, ClinGen allele CA250067533.

ClinVar aggregate classification (germline): Likely benign. Review status: criteria provided, multiple submitters, no conflicts (2 of 4 stars). 5 submissions from 5 submitters: Likely benign (5). Last evaluated 2025-08-17.

Conditions:
Inborn genetic diseases. Identifiers: MedGen C0950123, MeSH D030342.
Wilson disease (WND). Also called: Wilson's disease. Identifiers: Orphanet 905, MedGen C0019202, MONDO:0010200, OMIM 277900. Disease mechanism: loss of function.

Allele frequency attached by ClinVar (database versions not stated): gnomAD exomes 0.00001.
gnomAD v4.1: 7 of 1,614,012 alleles (0.00043%); highest among the groups gnomAD compares: Non-Finnish European, 0.00051%; no homozygotes.

Submissions (5):

Labcorp Genetics (formerly Invitae), Labcorp
Classification: Likely benign for Wilson disease. Last evaluated: 2025-08-17. Review status: criteria provided, single submitter. Criteria: Invitae Variant Classification Sherloc (09022015). Collection method: clinical testing. Allele origin: germline.

All of Us Research Program, National Institutes of Health
Classification: Likely benign for Wilson disease. Last evaluated: 2023-09-17. Review status: criteria provided, single submitter. Criteria: ACMG Guidelines, 2015. Collection method: clinical testing. Allele origin: germline. Inheritance: Autosomal recessive inheritance. Observed: 1 variant allele, 1 heterozygote.
Comment: This study involves interpretation of variants in research participants for the purpose of population health screening. Participant phenotype was not available at the time of variant classification. Additional details can be found in publication PMID: 35346344, PMCID: PMC8962531

Color Diagnostics, LLC DBA Color Health
Classification: Likely benign for Wilson disease. Last evaluated: 2023-08-31. Review status: criteria provided, single submitter. Criteria: ACMG Guidelines, 2015. Collection method: clinical testing. Allele origin: germline.

Fulgent Genetics
Classification: Likely benign for Wilson disease. Last evaluated: 2021-10-07. Review status: criteria provided, single submitter. Criteria: ACMG Guidelines, 2015. Collection method: clinical testing. Allele origin: unknown.

Ambry Genetics
Classification: Likely benign for Inborn genetic diseases. Last evaluated: 2021-09-10. Review status: criteria provided, single submitter. Criteria: Ambry Variant Classification Scheme 2023. Collection method: clinical testing. Allele origin: germline.